The following is an entry in ClinVar:

NM_001148.6(ANK2):c.6176C>T (p.Thr2059Met)

Genes: ANK2 (ankyrin 2; plus strand), LOC126807136 (MED14-independent group 3 enhancer GRCh37_chr4:114274931-114276130; plus strand). Cytogenetic location: 4q26.
Variant type: single nucleotide variant.
Coding change: c.6176C>T on transcript NM_001148.6 (MANE Select); coding-DNA position 6176, C replaced by T.
Protein change: p.Thr2059Met; replaces threonine 2059 with methionine.
Molecular consequence: missense variant. On other transcripts: intron variant (68).
Genome position (GRCh38, 1-based): chr4:113,354,794, C>T. VCF-style: chr4-113354794-C-T. GRCh37 (hg19) VCF-style: chr4-114275950-C-T.
Other names: c.5942C>T, p.Thr1981Met (NM_001386142.1); c.2576C>T, p.Thr859Met (NM_001386166.1); c.6317C>T, p.Thr2106Met (NM_001386174.1); c.6293C>T, p.Thr2098Met (NM_001386175.1); c.4411+4545C>T (NM_001386186.2, NM_001386148.2); c.4213+4545C>T (NM_001354269.3); c.4291+4545C>T (NM_001386187.2); c.4252+4545C>T (NM_001386147.1); and 35 more; short protein forms T2059M, T1981M, T2098M, T2106M, T859M.
Identifiers: ClinVar variation 191537 (VCV000191537.54), dbSNP rs200765866, ClinGen allele CA236935.

ClinVar aggregate classification (germline): Likely benign. Review status: criteria provided, multiple submitters, no conflicts (2 of 4 stars). 14 submissions from 14 submitters: Likely benign (10). 4 of the submissions do not count toward it. Last evaluated 2026-04-01.

Conditions:
Cardiovascular phenotype. Identifiers: MedGen CN230736.
ANK2-related disorder. Also called: ANK2-related condition.
Long QT syndrome (LQTS). Identifiers: MedGen C0023976, MeSH D008133, MONDO:0002442. Disease mechanism: loss of function. Inheritance: Various modes of inheritance.
Cardiac arrhythmia, ankyrin-B-related. Also called: ANKYRIN-B SYNDROME. Identifiers: Orphanet 101016, Orphanet 768, MedGen C1970119, MONDO:0010958, OMIM 600919.

Allele frequency attached by ClinVar (database versions not stated): 1000 Genomes Project 30x 0.00016; 1000 Genomes Project 0.00020; ESP Exome Variant Server 0.00046; TOPMed 0.00057; gnomAD 0.00058; gnomAD exomes 0.00064 and 0.00081; ExAC 0.00071.
gnomAD v4.1: 1,266 of 1,614,012 alleles (0.078%); highest among the groups gnomAD compares: South Asian, 0.16%; 5 homozygotes.

Submissions (14):

CeGaT Center for Human Genetics Tuebingen
Classification: Likely benign. Last evaluated: 2026-04-01. Review status: criteria provided, single submitter. Criteria: CeGaT Center For Human Genetics Tuebingen Variant Classification Criteria Version 2. Collection method: clinical testing. Allele origin: germline. Affected: yes. Observed: 3 variant alleles.
Comment: ANK2: BP4, BS1

Labcorp Genetics (formerly Invitae), Labcorp
Classification: Likely benign for Long QT syndrome. Last evaluated: 2026-02-02. Review status: criteria provided, single submitter. Criteria: Invitae Variant Classification Sherloc (09022015). Collection method: clinical testing. Allele origin: germline.

Blueprint Genetics
Classification: Likely benign. Last evaluated: 2024-11-21. Review status: criteria provided, single submitter. Criteria: ACMG Guidelines, 2015. Collection method: clinical testing. Allele origin: germline.

GeneDx
Classification: Likely benign. Last evaluated: 2021-02-05. Review status: criteria provided, single submitter. Criteria: GeneDx Variant Classification Process June 2021. Collection method: clinical testing. Allele origin: germline. Affected: yes.
Comment: This variant is associated with the following publications: (PMID: 25351510, 28086167, 23861362, 17242276)

Ambry Genetics
Classification: Likely benign for Cardiovascular phenotype. Last evaluated: 2018-07-09. Review status: criteria provided, single submitter. Criteria: Ambry Variant Classification Scheme 2023. Collection method: clinical testing. Allele origin: germline.

Illumina Laboratory Services, Illumina
Classification: Likely benign for Cardiac arrhythmia, ankyrin-B-related. Last evaluated: 2018-01-13. Review status: criteria provided, single submitter. Criteria: ICSL Variant Classification Criteria 13 December 2019. Collection method: clinical testing. Allele origin: germline.
Comment: This variant was observed in the ICSL laboratory as part of a predisposition screen in an ostensibly healthy population. It had not been previously curated by ICSL or reported in the Human Gene Mutation Database (HGMD: prior to June 1st, 2018), and was therefore a candidate for classification through an automated scoring system. Utilizing variant allele frequency, disease prevalence and penetrance estimates, and inheritance mode, an automated score was calculated to assess if this variant is too frequent to cause the disease. Based on the score and internal cut-off values, a variant classified as likely benign is not then subjected to further curation. The score for this variant resulted in a classification of likely benign for this disease.

Genome Diagnostics Laboratory, University Medical Center Utrecht
Classification: Likely benign for Cardiac arrhythmia, ankyrin-B-related. Last evaluated: 2016-09-06. Review status: criteria provided, single submitter. Criteria: ACGS Guidelines, 2013. Collection method: clinical testing. Allele origin: germline. Affected: yes. Study: VKGL Data-share Consensus.

Women's Health and Genetics/Laboratory Corporation of America, LabCorp
Classification: Likely benign. Last evaluated: 2016-08-29. Review status: criteria provided, single submitter. Criteria: LabCorp Variant Classification Summary - May 2015. Collection method: clinical testing. Allele origin: germline.
Comment: Variant summary: The ANK2 c.6176C>T (p.Thr2059Met) variant involves the alteration of a non-conserved nucleotide. 2/3 in silico tools predict a damaging outcome for this variant (SNPs&GO not captured due to low reliability index). This variant was found in 86/120790 control chromosomes at a frequency of 0.000712, which is approximately 71 times the estimated maximal expected allele frequency of a pathogenic ANK2 variant (0.00001), suggesting this variant is likely a benign polymorphism. It was detected on one HCM patient (Lopes_2015) without strong evidence for pathogenicity. There are no published functional studies for the variant. One clinical diagnostic laboratory and a research institution have classified this variant as likely benign. Taken together, this variant is classified as likely benign.

Biesecker Lab/Clinical Genomics Section, National Institutes of Health
Classification: Likely benign. Last evaluated: 2013-06-24. Review status: criteria provided, single submitter. Criteria: Ng et al. (Circ Cardiovasc Genet. 2013). Collection method: research. Allele origin: unknown. Observed: 1 variant allele. Study: ClinSeq.
Comment: The study set was not selected for affection status in relation to any cancer. Pathogenicity categories were based on literature curation. See Pubmed ID:23861362 for details.

Medical sequencing

Breakthrough Genomics
Classification: Likely benign. Review status: criteria provided, single submitter. Criteria: ACMG Guidelines, 2015. Collection method: not provided. Allele origin: germline. Inheritance: Autosomal dominant inheritance. Affected: yes.

PreventionGenetics, part of Exact Sciences
Classification: Likely benign for ANK2-related condition. Last evaluated: 2020-03-04. Review status: no assertion criteria provided. Collection method: clinical testing. Allele origin: germline. Not counted in ClinVar's aggregate classification.
Comment: This variant is classified as likely benign based on ACMG/AMP sequence variant interpretation guidelines (Richards et al. 2015 PMID: 25741868, with internal and published modifications).

Clinical Genetics DNA and cytogenetics Diagnostics Lab, Erasmus MC, Erasmus Medical Center
Classification: Likely benign. Review status: no assertion criteria provided. Collection method: clinical testing. Allele origin: germline. Affected: yes. Study: VKGL Data-share Consensus. Not counted in ClinVar's aggregate classification.

Clinical Genetics, Academic Medical Center
Classification: Likely benign. Review status: no assertion criteria provided. Collection method: clinical testing. Allele origin: germline. Affected: yes. Study: VKGL Data-share Consensus. Not counted in ClinVar's aggregate classification.

Joint Genome Diagnostic Labs from Nijmegen and Maastricht, Radboudumc and MUMC+
Classification: Benign. Review status: no assertion criteria provided. Collection method: clinical testing. Allele origin: germline. Affected: yes. Study: VKGL Data-share Consensus. Not counted in ClinVar's aggregate classification.

Literature cited by the submitters: PubMed 17242276 (cited by Ambry Genetics); PubMed 23861362 (cited by Ambry Genetics and Women's Health and Genetics/Laboratory Corporation of America, LabCorp); PubMed 25351510 (cited by Ambry Genetics and Women's Health and Genetics/Laboratory Corporation of America, LabCorp).